The following is an entry in ClinVar:

ClinVar aggregate classification (germline): Uncertain significance (1 of 4 stars; one submission).

Conditions:
Autoimmune interstitial lung disease-arthritis syndrome. Also called: Autoinflammation and autoimmunity, systemic, with immune dysregulation. Identifiers: Orphanet 444092, MedGen C5975714, MONDO:0014629.

Allele frequency attached by ClinVar (database versions not stated): gnomAD 0.00001; TOPMed 0.00001; ExAC 0.00002; gnomAD exomes 0.00002.
gnomAD v4.1: 10 of 1,613,876 alleles (0.00062%); highest among the groups gnomAD compares: Admixed American, 0.005%; no homozygotes.

Submission:

Labcorp Genetics (formerly Invitae), Labcorp
Classification: Uncertain significance for Autoimmune interstitial lung disease-arthritis syndrome. Last evaluated: 2023-10-29. Review status: criteria provided, single submitter. Criteria: Invitae Variant Classification Sherloc (09022015). Collection method: clinical testing. Allele origin: germline.
Comment: This sequence change replaces arginine, which is basic and polar, with cysteine, which is neutral and slightly polar, at codon 1083 of the COPA protein (p.Arg1083Cys). This variant is present in population databases (rs751952742, gnomAD 0.006%). This variant has not been reported in the literature in individuals affected with COPA-related conditions. ClinVar contains an entry for this variant (Variation ID: 1992004). Advanced modeling of protein sequence and biophysical properties (such as structural, functional, and spatial information, amino acid conservation, physicochemical variation, residue mobility, and thermodynamic stability) performed at Invitae indicates that this missense variant is expected to disrupt COPA protein function with a positive predictive value of 80%. In summary, the available evidence is currently insufficient to determine the role of this variant in disease. Therefore, it has been classified as a Variant of Uncertain Significance.

NM_004371.4(COPA):c.3247C>T (p.Arg1083Cys)

Gene: COPA (coat protein complex I subunit alpha; minus strand). Cytogenetic location: 1q23.2.
Variant type: single nucleotide variant.
Coding change: c.3247C>T on transcript NM_004371.4 (MANE Select); coding-DNA position 3247, C replaced by T.
Protein change: p.Arg1083Cys; replaces arginine 1083 with cysteine.
Molecular consequence: missense variant.
Genome position (GRCh38, 1-based): chr1:160,291,830, G>A on the plus strand (C>T on the coding strand, the complement: COPA is on the minus strand). VCF-style: chr1-160291830-G-A. GRCh37 (hg19) VCF-style: chr1-160261620-G-A.
Other names: c.3274C>T, p.Arg1092Cys (NM_001098398.2); short protein forms R1083C, R1092C.
Identifiers: ClinVar variation 1992004 (VCV001992004.4), dbSNP rs751952742, ClinGen allele CA1197668.